The following is an entry in ClinVar:

NC_000013.10:g.(?_49037857)_(49039514_?)del

Gene: RB1 (RB transcriptional corepressor 1; plus strand). Cytogenetic location: 13q14.2.
Variant type: Deletion.
Identifiers: ClinVar variation 3244126 (VCV003244126.1).

ClinVar aggregate classification (germline): Pathogenic (1 of 4 stars; one submission).

Conditions:
Retinoblastoma (RB1). Also called: RETINOBLASTOMA, SOMATIC. Identifiers: Orphanet 790, MedGen C0035335, MeSH D012175, MONDO:0008380, OMIM 180200, HP:0009919. Disease mechanism: loss of function. Inheritance: Both sporadic and heritable forms are tested..

Submission:

Labcorp Genetics (formerly Invitae), Labcorp
Classification: Pathogenic for Retinoblastoma. Last evaluated: 2023-06-06. Review status: criteria provided, single submitter. Criteria: Invitae Variant Classification Sherloc (09022015). Collection method: clinical testing. Allele origin: unknown.
Comment: For these reasons, this variant has been classified as Pathogenic. This variant has not been reported in the literature in individuals affected with RB1-related conditions. This variant is a gross deletion of the genomic region encompassing exon(s) 21-23 of the RB1 gene. This deletion is out-of-frame, and is expected to create a premature termination codon and result in an absent or disrupted protein product. Loss-of-function variants in RB1 are known to be pathogenic (PMID: 17096365).

Literature cited by the submitters: PubMed 17096365.